The following is an entry in ClinVar:

NC_000011.9:g.(?_216698)_(299504_?)dup

Genes: PSMD13 (proteasome 26S subunit, non-ATPase 13; plus strand), IFITM5 (interferon induced transmembrane protein 5; minus strand), NLRP6 (NLR family pyrin domain containing 6; plus strand), PGGHG (protein-glucosylgalactosylhydroxylysine glucosidase; plus strand), SIRT3 (sirtuin 3; minus strand). Cytogenetic location: 11p15.5.
Variant type: Duplication.
Identifiers: ClinVar variation 1410009 (VCV001410009.1).

ClinVar aggregate classification (germline): Uncertain significance (1 of 4 stars; one submission).

Submission:

Labcorp Genetics (formerly Invitae), Labcorp
Classification: Uncertain significance. Last evaluated: 2021-08-17. Review status: criteria provided, single submitter. Criteria: Invitae Variant Classification Sherloc (09022015). Collection method: clinical testing. Allele origin: germline.
Comment: A copy number gain of the genomic region encompassing the full coding sequence of the IFITM5 gene has been identified. The boundaries of this event are unknown as they extend beyond the assayed region for this gene and therefore may encompass additional genes. As the precise location of this event is unknown, it may be in tandem or it may be located elsewhere in the genome. This variant has not been reported in the literature in individuals with IFITM5-related conditions. In summary, the available evidence is currently insufficient to determine the role of this variant in disease. Therefore, it has been classified as a Variant of Uncertain Significance.